The following is an entry in ClinVar:

ClinVar aggregate classification (germline): Conflicting classifications of pathogenicity. Review status: criteria provided, conflicting classifications (1 of 4 stars). 5 submissions from 5 submitters: Uncertain significance (1); Benign (1); Likely benign (3). Last evaluated 2025-12-01.

Conditions:
Inborn genetic diseases. Identifiers: MedGen C0950123, MeSH D030342.
Severe X-linked myotubular myopathy (CNMX). Also called: X-linked centronuclear myopathy; Myotubular myopathy, X-linked; MYOTUBULAR MYOPATHY 1. Identifiers: Orphanet 596, MedGen C0410203, MONDO:0010683, OMIM 310400.

Allele frequency attached by ClinVar (database versions not stated): gnomAD exomes 0.00003 and 0.00008; gnomAD 0.00007 and 0.00008; ExAC 0.00010; TOPMed 0.00012; ESP Exome Variant Server 0.00019; 1000 Genomes Project 30x 0.00021; 1000 Genomes Project 0.00026.
gnomAD v4.1: 49 of 1,204,584 alleles (0.0041%); highest among the groups gnomAD compares: Middle Eastern, 0.12%; no homozygotes.

Submissions (5):

Labcorp Genetics (formerly Invitae), Labcorp
Classification: Benign for Severe X-linked myotubular myopathy. Last evaluated: 2025-12-01. Review status: criteria provided, single submitter. Criteria: Invitae Variant Classification Sherloc (09022015). Collection method: clinical testing. Allele origin: germline.

CeGaT Center for Human Genetics Tuebingen
Classification: Likely benign. Last evaluated: 2022-08-01. Review status: criteria provided, single submitter. Criteria: CeGaT Center For Human Genetics Tuebingen Variant Classification Criteria Version 2. Collection method: clinical testing. Allele origin: germline. Affected: yes. Observed: 1 variant allele.
Comment: MTM1: BS2

Ambry Genetics
Classification: Uncertain significance for Inborn genetic diseases. Last evaluated: 2021-10-27. Review status: criteria provided, single submitter. Criteria: Ambry Variant Classification Scheme 2023. Collection method: clinical testing. Allele origin: germline.

Genetic Services Laboratory, University of Chicago
Classification: Likely benign. Last evaluated: 2015-04-10. Review status: criteria provided, single submitter. Criteria: ACMG Guidelines, 2015. Collection method: clinical testing. Allele origin: germline.

Breakthrough Genomics
Classification: Likely benign. Review status: criteria provided, single submitter. Criteria: ACMG Guidelines, 2015. Collection method: not provided. Allele origin: germline. Inheritance: X-linked inheritance. Affected: yes.

NM_000252.3(MTM1):c.422C>T (p.Ala141Val)

Gene: MTM1 (myotubularin 1; plus strand). Cytogenetic location: Xq28.
Variant type: single nucleotide variant.
Coding change: c.422C>T on transcript NM_000252.3 (MANE Select); coding-DNA position 422, C replaced by T.
Protein change: p.Ala141Val; replaces alanine 141 with valine.
Molecular consequence: missense variant.
Genome position (GRCh38, 1-based): chrX:150,619,117, C>T. VCF-style: chrX-150619117-C-T. GRCh37 (hg19) VCF-style: chrX-149787590-C-T.
Other names: c.422C>T, p.Ala141Val (NM_001376906.1, NM_001376908.1); c.311C>T, p.Ala104Val (NM_001376907.1); short protein forms A141V, A104V.
Identifiers: ClinVar variation 211534 (VCV000211534.43), dbSNP rs140642341, ClinGen allele CA208132.